The following is an entry in ClinVar:

ClinVar aggregate classification (germline): Benign/Likely benign. Review status: criteria provided, multiple submitters, no conflicts (2 of 4 stars). 7 submissions from 7 submitters: Benign (6); Likely benign (1). Last evaluated 2026-02-03.

Conditions:
Inborn genetic diseases. Identifiers: MedGen C0950123, MeSH D030342.
SLC35A2-congenital disorder of glycosylation. Also called: DEVELOPMENTAL AND EPILEPTIC ENCEPHALOPATHY 22; CONGENITAL DISORDER OF GLYCOSYLATION, TYPE IIm; CDG IIm; CONGENITAL DISORDER OF GLYCOSYLATION, TYPE IIm, SOMATIC MOSAIC; EPILEPTIC ENCEPHALOPATHY, EARLY INFANTILE, 22; SLC35A2-CDG. Identifiers: Orphanet 356961, MedGen C3806688, MONDO:0010478, OMIM 300896.

Allele frequency attached by ClinVar (database versions not stated): 1000 Genomes Project 0.00662; 1000 Genomes Project 30x 0.00749; TOPMed 0.01363; ESP Exome Variant Server 0.01414; gnomAD 0.01539 and 0.01547; gnomAD exomes 0.01612 and 0.02311; ExAC 0.02413.

Submissions (7):

Labcorp Genetics (formerly Invitae), Labcorp
Classification: Benign for SLC35A2-congenital disorder of glycosylation. Last evaluated: 2026-02-03. Review status: criteria provided, single submitter. Criteria: Invitae Variant Classification Sherloc (09022015). Collection method: clinical testing. Allele origin: germline.

Blueprint Genetics
Classification: Likely benign. Last evaluated: 2024-11-28. Review status: criteria provided, single submitter. Criteria: ACMG Guidelines, 2015. Collection method: clinical testing. Allele origin: germline.

Mayo Clinic Laboratories, Mayo Clinic
Classification: Benign. Last evaluated: 2018-09-18. Review status: criteria provided, single submitter. Criteria: ACMG Guidelines, 2015. Collection method: clinical testing. Allele origin: germline. Observed: 19 variant alleles.

Athena Diagnostics
Classification: Benign. Last evaluated: 2017-09-30. Review status: criteria provided, single submitter. Criteria: Athena Diagnostics Criteria. Collection method: clinical testing. Allele origin: germline.

Ambry Genetics
Classification: Benign for Inborn genetic diseases. Last evaluated: 2016-05-03. Review status: criteria provided, single submitter. Criteria: Ambry Variant Classification Scheme 2023. Collection method: clinical testing. Allele origin: germline.

GeneDx
Classification: Benign. Last evaluated: 2016-01-26. Review status: criteria provided, single submitter. Criteria: GeneDx Variant Classification (06012015). Collection method: clinical testing. Allele origin: germline. Affected: yes.
Comment: This variant is considered likely benign or benign based on one or more of the following criteria: it is a conservative change, it occurs at a poorly conserved position in the protein, it is predicted to be benign by multiple in silico algorithms, and/or has population frequency not consistent with disease.

Breakthrough Genomics
Classification: Benign. Review status: criteria provided, single submitter. Criteria: ACMG Guidelines, 2015. Collection method: not provided. Allele origin: germline. Inheritance: X-linked inheritance. Affected: yes.

NM_005660.3(SLC35A2):c.43C>A (p.Pro15Thr)

Gene: SLC35A2 (solute carrier family 35 member A2; minus strand). Cytogenetic location: Xp11.23.
Variant type: single nucleotide variant.
Coding change: c.43C>A on transcript NM_005660.3 (MANE Select); coding-DNA position 43, C replaced by A.
Protein change: p.Pro15Thr; replaces proline 15 with threonine.
Molecular consequence: missense variant. On other transcripts: intron variant (1).
Genome position (GRCh38, 1-based): chrX:48,911,594, G>T on the plus strand (C>A on the coding strand, the complement: SLC35A2 is on the minus strand). VCF-style: chrX-48911594-G-T. GRCh37 (hg19) VCF-style: chrX-48768871-G-T.
Other names: p.Pro15Thr; c.43C>A, p.Pro15Thr (NM_001032289.3, NM_001042498.3, NM_001282647.2 and 3 more transcripts); c.19+265C>A (NM_001282648.2); short protein forms P15T.
Identifiers: ClinVar variation 380583 (VCV000380583.19), dbSNP rs55719932, ClinGen allele CA10406217.